The following is an entry in ClinVar:

ClinVar aggregate classification (germline): Uncertain significance. Review status: criteria provided, multiple submitters, no conflicts (2 of 4 stars). 2 submissions from 2 submitters: Uncertain significance (2). Last evaluated 2026-01-12.

Conditions:
Limb-girdle muscular dystrophy due to POMK deficiency. Also called: MUSCULAR DYSTROPHY-DYSTROGLYCANOPATHY, LIMB-GIRDLE, POMK-RELATED; Muscular dystrophy-dystroglycanopathy (limb-girdle), type c, 12. Identifiers: Orphanet 445110, MedGen C4015184, MONDO:0014489, OMIM 616094.
Muscular dystrophy-dystroglycanopathy (congenital with brain and eye anomalies), type a, 12 (MDDGA12). Also called: WALKER-WARBURG SYNDROME OR MUSCLE-EYE-BRAIN DISEASE, POMK-RELATED. Identifiers: Orphanet 899, MedGen C3808964, MONDO:0014101, OMIM 615249.

Allele frequency attached by ClinVar (database versions not stated): ExAC 0.00002; gnomAD exomes 0.00004 and 0.00002; TOPMed 0.00002.
gnomAD v4.1: 61 of 1,613,798 alleles (0.0038%); highest among the groups gnomAD compares: Middle Eastern, 0.016%; no homozygotes.

Submissions (2):

GeneDx
Classification: Uncertain significance. Last evaluated: 2026-01-12. Review status: criteria provided, single submitter. Criteria: GeneDx Variant Classification Process June 2021. Collection method: clinical testing. Allele origin: germline. Affected: yes.
Comment: Not observed at significant frequency in large population cohorts (gnomAD); In silico analysis suggests that this missense variant does not alter protein structure/function; Has not been previously published as pathogenic or benign to our knowledge

Labcorp Genetics (formerly Invitae), Labcorp
Classification: Uncertain significance for Muscular dystrophy-dystroglycanopathy (congenital with brain and eye anomalies), type a, 12; Limb-girdle muscular dystrophy due to POMK deficiency. Last evaluated: 2022-10-17. Review status: criteria provided, single submitter. Criteria: Invitae Variant Classification Sherloc (09022015). Collection method: clinical testing. Allele origin: germline.
Comment: This sequence change replaces alanine, which is neutral and non-polar, with serine, which is neutral and polar, at codon 28 of the POMK protein (p.Ala28Ser). This variant is present in population databases (rs201506618, gnomAD 0.005%). This variant has not been reported in the literature in individuals affected with POMK-related conditions. ClinVar contains an entry for this variant (Variation ID: 1041532). Advanced modeling of protein sequence and biophysical properties (such as structural, functional, and spatial information, amino acid conservation, physicochemical variation, residue mobility, and thermodynamic stability) performed at Invitae indicates that this missense variant is not expected to disrupt POMK protein function. In summary, the available evidence is currently insufficient to determine the role of this variant in disease. Therefore, it has been classified as a Variant of Uncertain Significance.

NM_032237.5(POMK):c.82G>T (p.Ala28Ser)

Gene: POMK (protein O-mannose kinase; plus strand). Cytogenetic location: 8p11.21.
Variant type: single nucleotide variant.
Coding change: c.82G>T on transcript NM_032237.5 (MANE Select); coding-DNA position 82, G replaced by T.
Protein change: p.Ala28Ser; replaces alanine 28 with serine.
Molecular consequence: missense variant.
Genome position (GRCh38, 1-based): chr8:43,103,630, G>T. VCF-style: chr8-43103630-G-T. GRCh37 (hg19) VCF-style: chr8-42958773-G-T.
Other names: c.82G>T, p.Ala28Ser (NM_001277971.2); short protein forms A28S.
Identifiers: ClinVar variation 1041532 (VCV001041532.5), dbSNP rs201506618, ClinGen allele CA4736191.